The following is an entry in ClinVar:

NM_001113378.2(FANCI):c.2602G>C (p.Glu868Gln)

Gene: FANCI (FA complementation group I; plus strand). Cytogenetic location: 15q26.1.
Variant type: single nucleotide variant.
Coding change: c.2602G>C on transcript NM_001113378.2 (MANE Select); coding-DNA position 2602, G replaced by C.
Protein change: p.Glu868Gln; replaces glutamic acid 868 with glutamine.
Molecular consequence: missense variant. On other transcripts: intron variant (1).
Genome position (GRCh38, 1-based): chr15:89,295,060, G>C. VCF-style: chr15-89295060-G-C. GRCh37 (hg19) VCF-style: chr15-89838291-G-C.
Other names: c.2323G>C, p.Glu775Gln (NM_001376910.1); c.2602G>C, p.Glu868Gln (NM_001376911.1); c.2456+1063G>C (NM_018193.3); short protein forms E775Q, E868Q.
Identifiers: ClinVar variation 843313 (VCV000843313.5), dbSNP rs1384613419, ClinGen allele CA393751066.

ClinVar aggregate classification (germline): Uncertain significance (1 of 4 stars; one submission).

Conditions:
Fanconi anemia (FA). Also called: Fanconi's anemia. Identifiers: Orphanet 84, MedGen C0015625, MeSH D005199, MONDO:0019391.

Allele frequency attached by ClinVar (database versions not stated): gnomAD exomes below 0.00001 and 0.00001; gnomAD 0.00001; TOPMed 0.00002.
gnomAD v4.1: 5 of 1,551,820 alleles (0.00032%); highest among the groups gnomAD compares: East Asian, 0.012%; no homozygotes.

Submission:

Labcorp Genetics (formerly Invitae), Labcorp
Classification: Uncertain significance for Fanconi anemia. Last evaluated: 2022-08-15. Review status: criteria provided, single submitter. Criteria: Invitae Variant Classification Sherloc (09022015). Collection method: clinical testing. Allele origin: germline.
Comment: This sequence change replaces glutamic acid, which is acidic and polar, with glutamine, which is neutral and polar, at codon 868 of the FANCI protein (p.Glu868Gln). This variant is present in population databases (no rsID available, gnomAD 0.02%). This variant has not been reported in the literature in individuals affected with FANCI-related conditions. ClinVar contains an entry for this variant (Variation ID: 843313). Algorithms developed to predict the effect of missense changes on protein structure and function (SIFT, PolyPhen-2, Align-GVGD) all suggest that this variant is likely to be tolerated. In summary, the available evidence is currently insufficient to determine the role of this variant in disease. Therefore, it has been classified as a Variant of Uncertain Significance.